The following is an entry in ClinVar:

ClinVar aggregate classification (germline): Uncertain significance (1 of 4 stars; one submission).

Conditions:
Hereditary cancer-predisposing syndrome. Also called: Hereditary Cancer Syndrome; Hereditary neoplastic syndrome; Neoplastic Syndromes, Hereditary; Tumor predisposition. Identifiers: Orphanet 140162, MedGen C0027672, MeSH D009386, MONDO:0015356.

Submission:

Ambry Genetics
Classification: Uncertain significance for Hereditary cancer-predisposing syndrome. Last evaluated: 2025-06-20. Review status: criteria provided, single submitter. Criteria: Ambry Variant Classification Scheme 2023. Collection method: clinical testing. Allele origin: germline.
Comment: The p.L710V variant (also known as c.2128C>G), located in coding exon 12 of the ALK gene, results from a C to G substitution at nucleotide position 2128. The leucine at codon 710 is replaced by valine, an amino acid with highly similar properties. This amino acid position is conserved. In addition, this alteration is predicted to be tolerated by in silico analysis. Based on the available evidence, the clinical significance of this variant remains unclear.

NM_004304.5(ALK):c.2128C>G (p.Leu710Val)

Gene: ALK (ALK receptor tyrosine kinase; minus strand). Cytogenetic location: 2p23.2.
Variant type: single nucleotide variant.
Coding change: c.2128C>G on transcript NM_004304.5 (MANE Select); coding-DNA position 2128, C replaced by G.
Protein change: p.Leu710Val; replaces leucine 710 with valine.
Molecular consequence: missense variant.
Genome position (GRCh38, 1-based): chr2:29,251,181, G>C on the plus strand (C>G on the coding strand, the complement: ALK is on the minus strand). VCF-style: chr2-29251181-G-C. GRCh37 (hg19) VCF-style: chr2-29474047-G-C.
Other names: short protein forms L710V.
Identifiers: ClinVar variation 4272209 (VCV004272209.1).